The following is an entry in ClinVar:

ClinVar aggregate classification (germline): Uncertain significance (1 of 4 stars; one submission).

gnomAD v4.1: 9 of 1,612,756 alleles (0.00056%); highest among the groups gnomAD compares: East Asian, 0.0022%; no homozygotes.

Submission:

CeGaT Center for Human Genetics Tuebingen
Classification: Uncertain significance. Last evaluated: 2026-08-01. Review status: criteria provided, single submitter. Criteria: CeGaT Center For Human Genetics Tuebingen Variant Classification Criteria Version 2. Collection method: clinical testing. Allele origin: germline. Affected: yes. Observed: 1 variant allele.
Comment: ARHGEF10: PM2, BP4

NM_014629.4(ARHGEF10):c.475G>A (p.Glu159Lys)

Gene: ARHGEF10 (Rho guanine nucleotide exchange factor 10; plus strand). Cytogenetic location: 8p23.3.
Variant type: single nucleotide variant.
Coding change: c.475G>A on transcript NM_014629.4 (MANE Select); coding-DNA position 475, G replaced by A.
Protein change: p.Glu159Lys; replaces glutamic acid 159 with lysine.
Molecular consequence: missense variant.
Genome position (GRCh38, 1-based): chr8:1,860,178, G>A. VCF-style: chr8-1860178-G-A. GRCh37 (hg19) VCF-style: chr8-1808344-G-A.
Other names: c.475G>A, p.Glu159Lys (NM_001438092.1, NM_001438093.1, NM_001438094.1 and 3 more transcripts); short protein forms E159K, E183K.
Identifiers: ClinVar variation 5039723 (VCV005039723.1).